The following is an entry in ClinVar:

ClinVar aggregate classification (germline): Uncertain significance (1 of 4 stars; one submission).

Conditions:
Early-infantile DEE. Also called: Early infantile epileptic encephalopathy with suppression bursts; Early infantile epileptic encephalopathy; Ohtahara syndrome. Identifiers: Orphanet 1934, MedGen C0393706, MONDO:0800491.

Allele frequency attached by ClinVar (database versions not stated): gnomAD 0.00001; gnomAD exomes 0.00001 and 0.00002; TOPMed 0.00001; ExAC 0.00002; ESP Exome Variant Server 0.00023.
gnomAD v4.1: 20 of 1,613,378 alleles (0.0012%); highest among the groups gnomAD compares: Non-Finnish European, 0.0017%; no homozygotes.

Submission:

Labcorp Genetics (formerly Invitae), Labcorp
Classification: Uncertain significance for Early-infantile DEE. Last evaluated: 2023-12-11. Review status: criteria provided, single submitter. Criteria: Invitae Variant Classification Sherloc (09022015). Collection method: clinical testing. Allele origin: germline.
Comment: This sequence change replaces alanine, which is neutral and non-polar, with valine, which is neutral and non-polar, at codon 702 of the HCN1 protein (p.Ala702Val). This variant is present in population databases (rs147007826, gnomAD 0.004%). This variant has not been reported in the literature in individuals affected with HCN1-related conditions. ClinVar contains an entry for this variant (Variation ID: 579467). Advanced modeling of protein sequence and biophysical properties (such as structural, functional, and spatial information, amino acid conservation, physicochemical variation, residue mobility, and thermodynamic stability) performed at Invitae indicates that this missense variant is not expected to disrupt HCN1 protein function with a negative predictive value of 80%. In summary, the available evidence is currently insufficient to determine the role of this variant in disease. Therefore, it has been classified as a Variant of Uncertain Significance.

NM_021072.4(HCN1):c.2105C>T (p.Ala702Val)

Gene: HCN1 (hyperpolarization activated cyclic nucleotide gated potassium channel 1; minus strand). Cytogenetic location: 5p12.
Variant type: single nucleotide variant.
Coding change: c.2105C>T on transcript NM_021072.4 (MANE Select); coding-DNA position 2105, C replaced by T.
Protein change: p.Ala702Val; replaces alanine 702 with valine.
Molecular consequence: missense variant.
Genome position (GRCh38, 1-based): chr5:45,262,489, G>A on the plus strand (C>T on the coding strand, the complement: HCN1 is on the minus strand). VCF-style: chr5-45262489-G-A. GRCh37 (hg19) VCF-style: chr5-45262591-G-A.
Other names: short protein forms A702V.
Identifiers: ClinVar variation 579467 (VCV000579467.7), dbSNP rs147007826, ClinGen allele CA3259158.